The following is an entry in ClinVar:

NM_002693.3(POLG):c.1548G>A (p.Glu516=)

Gene: POLG (DNA polymerase gamma, catalytic subunit; minus strand). Cytogenetic location: 15q26.1.
Variant type: single nucleotide variant.
Coding change: c.1548G>A on transcript NM_002693.3 (MANE Select); coding-DNA position 1548, G replaced by A.
Protein change: p.Glu516=; no amino-acid change (glutamic acid 516 retained).
Molecular consequence: synonymous variant.
Genome position (GRCh38, 1-based): chr15:89,326,949, C>T on the plus strand (G>A on the coding strand, the complement: POLG is on the minus strand). VCF-style: chr15-89326949-C-T. GRCh37 (hg19) VCF-style: chr15-89870180-C-T.
Other names: c.1548G>A, p.Glu516= (NM_001126131.2).
Identifiers: ClinVar variation 1134725 (VCV001134725.11), dbSNP rs555939259, ClinGen allele CA7724811.

ClinVar aggregate classification (germline): Likely benign. Review status: criteria provided, multiple submitters, no conflicts (2 of 4 stars). 2 submissions from 2 submitters: Likely benign (2). Last evaluated 2026-06-01.

Conditions:
Progressive sclerosing poliodystrophy (MTDPS4A). Also called: Alpers Syndrome; ALPERS DIFFUSE DEGENERATION OF CEREBRAL GRAY MATTER WITH HEPATIC CIRRHOSIS; Alpers-Huttenlocher Syndrome; Alpers-Huttenlocher Syndrome (AHS); ALPERS PROGRESSIVE INFANTILE POLIODYSTROPHY; Mitochondrial DNA depletion syndrome 4A (Alpers type). Identifiers: Orphanet 726, MedGen C0205710, MONDO:0008758, OMIM 203700.

Allele frequency attached by ClinVar (database versions not stated): gnomAD 0.00001 and 0.00002; ExAC 0.00002; 1000 Genomes Project 30x 0.00031; 1000 Genomes Project 0.00040.
gnomAD v4.1: 17 of 1,614,214 alleles (0.0011%); highest among the groups gnomAD compares: East Asian, 0.0067%; no homozygotes.

Submissions (2):

CeGaT Center for Human Genetics Tuebingen
Classification: Likely benign. Last evaluated: 2026-06-01. Review status: criteria provided, single submitter. Criteria: CeGaT Center For Human Genetics Tuebingen Variant Classification Criteria Version 2. Collection method: clinical testing. Allele origin: germline. Affected: yes. Observed: 1 variant allele.
Comment: POLG: BP4, BP7

Labcorp Genetics (formerly Invitae), Labcorp
Classification: Likely benign for Progressive sclerosing poliodystrophy. Last evaluated: 2023-04-28. Review status: criteria provided, single submitter. Criteria: Invitae Variant Classification Sherloc (09022015). Collection method: clinical testing. Allele origin: germline.